The following is an entry in ClinVar:

ClinVar aggregate classification (germline): Likely benign (1 of 4 stars; one submission).

Conditions:
Pitt-Hopkins-like syndrome 2 (PTHSL2). Identifiers: Orphanet 221150, Orphanet 600663, MedGen C3280479, MONDO:0013690, OMIM 614325.

Allele frequency attached by ClinVar (database versions not stated): 1000 Genomes Project 0.00240; TOPMed 0.00333; gnomAD 0.00273 and 0.00292; 1000 Genomes Project 30x 0.00297.

Submission:

Illumina Laboratory Services, Illumina
Classification: Likely benign for Pitt-Hopkins-like syndrome 2. Last evaluated: 2018-01-13. Review status: criteria provided, single submitter. Criteria: ICSL Variant Classification Criteria 13 December 2019. Collection method: clinical testing. Allele origin: germline.
Comment: This variant was observed in the ICSL laboratory as part of a predisposition screen in an ostensibly healthy population. It had not been previously curated by ICSL or reported in the Human Gene Mutation Database (HGMD: prior to June 1st, 2018), and was therefore a candidate for classification through an automated scoring system. Utilizing variant allele frequency, disease prevalence and penetrance estimates, and inheritance mode, an automated score was calculated to assess if this variant is too frequent to cause the disease. Based on the score and internal cut-off values, a variant classified as likely benign is not then subjected to further curation. The score for this variant resulted in a classification of likely benign for this disease.

NM_001135659.1(NRXN1):c.-1394G>T

Gene: NRXN1 (neurexin 1; minus strand). Cytogenetic location: 2p16.3.
Variant type: single nucleotide variant.
Coding change: c.-1394G>T on transcript NM_001135659.1; 1394 bases upstream of the start codon, G replaced by T.
Genome position (GRCh38, 1-based): chr2:51,032,453, C>A on the plus strand (G>T on the coding strand, the complement: NRXN1 is on the minus strand). VCF-style: chr2-51032453-C-A. GRCh37 (hg19) VCF-style: chr2-51259591-C-A.
Identifiers: ClinVar variation 895183 (VCV000895183.6), dbSNP rs190774311, ClinGen allele CA48055610.